The following is an entry in ClinVar:

ClinVar aggregate classification (germline): Uncertain significance. Review status: criteria provided, multiple submitters, no conflicts (2 of 4 stars). 2 submissions from 2 submitters: Uncertain significance (2). Last evaluated 2025-10-22.

Conditions:
3-methylglutaconic aciduria, type VIIB (MGCA7B). Also called: 3-methylglutaconic aciduria with cataracts, neurologic involvement and neutropenia; 3-methylglutaconic aciduria, type VII, with cataracts, neurologic involvement and neutropenia; CLPB Deficiency. Identifiers: Orphanet 445038, MedGen C5676893, MONDO:0014561, OMIM 616271.
Inborn genetic diseases. Identifiers: MedGen C0950123, MeSH D030342.

Submissions (2):

Ambry Genetics
Classification: Uncertain significance for Inborn genetic diseases. Last evaluated: 2025-10-22. Review status: criteria provided, single submitter. Criteria: Ambry Variant Classification Scheme 2023. Collection method: clinical testing. Allele origin: germline.

Labcorp Genetics (formerly Invitae), Labcorp
Classification: Uncertain significance for 3-methylglutaconic aciduria, type VIIB. Last evaluated: 2022-09-20. Review status: criteria provided, single submitter. Criteria: Invitae Variant Classification Sherloc (09022015). Collection method: clinical testing. Allele origin: germline.
Comment: In summary, the available evidence is currently insufficient to determine the role of this variant in disease. Therefore, it has been classified as a Variant of Uncertain Significance. Algorithms developed to predict the effect of missense changes on protein structure and function are either unavailable or do not agree on the potential impact of this missense change (SIFT: "Deleterious"; PolyPhen-2: "Probably Damaging"; Align-GVGD: "Class C0"). This variant has not been reported in the literature in individuals affected with CLPB-related conditions. This variant is not present in population databases (gnomAD no frequency). This sequence change replaces proline, which is neutral and non-polar, with serine, which is neutral and polar, at codon 461 of the CLPB protein (p.Pro461Ser).

NM_001258392.3(CLPB):c.1291C>T (p.Pro431Ser)

Genes: CLPB (ClpB family mitochondrial disaggregase; minus strand), LOC126861258 (MED14-independent group 3 enhancer GRCh37_chr11:72012242-72013441; plus strand). Cytogenetic location: 11q13.4.
Variant type: single nucleotide variant.
Coding change: c.1291C>T on transcript NM_001258392.3 (MANE Select); coding-DNA position 1291, C replaced by T.
Protein change: p.Pro431Ser; replaces proline 431 with serine.
Molecular consequence: missense variant.
Genome position (GRCh38, 1-based): chr11:72,301,841, G>A on the plus strand (C>T on the coding strand, the complement: CLPB is on the minus strand). VCF-style: chr11-72301841-G-A. GRCh37 (hg19) VCF-style: chr11-72012885-G-A.
Other names: c.1381C>T (NM_030813.3); c.1204C>T, p.Pro402Ser (NM_001258393.3); c.1246C>T, p.Pro416Ser (NM_001258394.3); c.1381C>T, p.Pro461Ser (NM_030813.6); short protein forms P431S, P402S, P416S, P461S.
Identifiers: ClinVar variation 1934792 (VCV001934792.6), dbSNP rs2539343207, ClinGen allele CA381732547.
Genomic context (GRCh38, chr11:72,301,841, plus strand): 5'-ATCCTGGCCCAAGGTGACTCACCTCATCAAACAGCTGCAGCATGATGGTGAGCACATCTG[G>A]ATGGGCCTTGTCTACTTCATCAAAGAGCACCACAGCATTGGGGCACTGCTTCAACTTCTT-3'
Protein context (NP_001245321.1, residues 421-441): VLFDEVDKAH[Pro431Ser]DVLTIMLQLF